The following is an entry in ClinVar:

NM_000256.3(MYBPC3):c.2370A>G (p.Val790=)

Gene: MYBPC3 (myosin binding protein C3; minus strand). Cytogenetic location: 11p11.2.
Variant type: single nucleotide variant.
Coding change: c.2370A>G on transcript NM_000256.3 (MANE Select); coding-DNA position 2370, A replaced by G.
Protein change: p.Val790=; no amino-acid change (valine 790 retained).
Molecular consequence: synonymous variant.
Genome position (GRCh38, 1-based): chr11:47,337,733, T>C on the plus strand (A>G on the coding strand, the complement: MYBPC3 is on the minus strand). VCF-style: chr11-47337733-T-C. GRCh37 (hg19) VCF-style: chr11-47359284-T-C.
Identifiers: ClinVar variation 3072748 (VCV003072748.1), dbSNP rs1595843873, ClinGen allele CA474216098.

ClinVar aggregate classification (germline): Likely benign (1 of 4 stars; one submission).

Conditions:
Hypertrophic cardiomyopathy. Also called: HYPERTROPHIC MYOCARDIOPATHY. Identifiers: Orphanet 217569, MedGen C0007194, MeSH D002312, MONDO:0005045, HP:0001639.

Submission:

All of Us Research Program, National Institutes of Health
Classification: Likely benign for Hypertrophic cardiomyopathy. Last evaluated: 2023-08-15. Review status: criteria provided, single submitter. Criteria: ACMG Guidelines, 2015. Collection method: clinical testing. Allele origin: germline. Inheritance: Autosomal dominant inheritance. Observed: 1 variant allele, 1 heterozygote.
Comment: This study involves interpretation of variants in research participants for the purpose of population health screening. Participant phenotype was not available at the time of variant classification. Additional details can be found in publication PMID: 35346344, PMCID: PMC8962531